The following is an entry in ClinVar:

NM_006237.4(POU4F1):c.124-9C>A

Genes: OBI1-AS1 (OBI1 antisense RNA 1; plus strand), POU4F1 (POU class 4 homeobox 1; minus strand). Cytogenetic location: 13q31.1.
Variant type: single nucleotide variant.
Coding change: c.124-9C>A on transcript NM_006237.4 (MANE Select); 9 bases into the intron before coding-DNA position 124, C replaced by A.
Molecular consequence: intron variant.
Genome position (GRCh38, 1-based): chr13:78,602,560, G>T on the plus strand (C>A on the coding strand, the complement: POU4F1 is on the minus strand). VCF-style: chr13-78602560-G-T. GRCh37 (hg19) VCF-style: chr13-79176695-G-T.
Identifiers: ClinVar variation 3066039 (VCV003066039.2), dbSNP rs2500899195, ClinGen allele CA2623341422.

ClinVar aggregate classification (germline): Likely pathogenic (0 of 4 stars; one submission).

Conditions:
Ataxia, intention tremor, and hypotonia syndrome, childhood-onset. Identifiers: MedGen C5543478, MONDO:0859158, OMIM 619352.

Submission:

Clinical Genetics Laboratory, University Hospital Schleswig-Holstein
Classification: Likely pathogenic for Ataxia, intention tremor, and hypotonia syndrome, childhood-onset. Last evaluated: 2023-03-03. Review status: no assertion criteria provided. Collection method: clinical testing. Allele origin: de novo. Affected: yes.